The following is an entry in ClinVar:

ClinVar aggregate classification (germline): Uncertain significance (1 of 4 stars; one submission).

Conditions:
Malignant hyperthermia, susceptibility to, 1 (MHS1). Also called: Anesthesia related hyperthermia; Malignant hyperpyrexia; Fulminating hyperpyrexia; Pharmacogenic myopathy; RYR1-Related Malignant Hyperthermia Susceptibility; Malignant hyperthermia suceptibility 1. Identifiers: Orphanet 423, MedGen C2930980, MONDO:0007783, OMIM 145600.

Submission:

All of Us Research Program, National Institutes of Health
Classification: Uncertain significance for Malignant hyperthermia, susceptibility to, 1. Last evaluated: 2024-01-11. Review status: criteria provided, single submitter. Criteria: ACMG Guidelines, 2015. Collection method: clinical testing. Allele origin: germline. Inheritance: Autosomal dominant inheritance. Observed: 1 variant allele, 1 heterozygote.
Comment: This study involves interpretation of variants in research participants for the purpose of population health screening. Participant phenotype was not available at the time of variant classification. Additional details can be found in publication PMID: 35346344, PMCID: PMC8962531

NM_000540.3(RYR1):c.10194C>A (p.Phe3398Leu)

Gene: RYR1 (ryanodine receptor 1; plus strand). Cytogenetic location: 19q13.2.
Variant type: single nucleotide variant.
Coding change: c.10194C>A on transcript NM_000540.3 (MANE Select); coding-DNA position 10194, C replaced by A.
Protein change: p.Phe3398Leu; replaces phenylalanine 3398 with leucine.
Molecular consequence: missense variant.
Genome position (GRCh38, 1-based): chr19:38,519,389, C>A. VCF-style: chr19-38519389-C-A. GRCh37 (hg19) VCF-style: chr19-39010029-C-A.
Other names: c.10194C>A, p.Phe3398Leu (NM_001042723.2); short protein forms F3398L.
Identifiers: ClinVar variation 3075347 (VCV003075347.1), dbSNP rs2514444107, ClinGen allele CA405696346.